The following is an entry in ClinVar:

ClinVar aggregate classification (germline): Likely pathogenic (1 of 4 stars; one submission).

Conditions:
Inborn genetic diseases. Identifiers: MedGen C0950123, MeSH D030342.

Submission:

Ambry Genetics
Classification: Likely pathogenic for Inborn genetic diseases. Last evaluated: 2024-12-16. Review status: criteria provided, single submitter. Criteria: Ambry Variant Classification Scheme 2023. Collection method: clinical testing. Allele origin: germline.
Comment: The c.464-2A>G intronic variant results from an A to G substitution two nucleotides upstream from coding exon 5 in the ETV6 gene. This nucleotide position is highly conserved in available vertebrate species. Alterations that disrupt the canonical splice site are expected to result in aberrant splicing. In silico splice site analysis predicts that this alteration will weaken the native splice acceptor site and may result in the creation or strengthening of a novel splice acceptor site. RNA studies have demonstrated that this alteration results in abnormal splicing in the set of samples tested (Ambry internal data). The resulting transcript is predicted to be in-frame and is not expected to trigger nonsense-mediated mRNA decay; however, a significant portion of the protein is affected (Ambry internal data). This variant is considered to be rare based on population cohorts in the Genome Aggregation Database (gnomAD). Based on the majority of available evidence to date, this variant is likely to be pathogenic.

NM_001987.5(ETV6):c.464-2A>G

Gene: ETV6 (ETS variant transcription factor 6; plus strand). Cytogenetic location: 12p13.2.
Variant type: single nucleotide variant.
Coding change: c.464-2A>G on transcript NM_001987.5 (MANE Select); the canonical splice acceptor site of the intron before coding-DNA position 464, A replaced by G.
Molecular consequence: splice acceptor variant.
Genome position (GRCh38, 1-based): chr12:11,869,422, A>G. VCF-style: chr12-11869422-A-G. GRCh37 (hg19) VCF-style: chr12-12022356-A-G.
Other names: c.437-2A>G (NM_001413914.1); c.464-2A>G (NM_001413917.1, NM_001413916.1); c.461-2A>G (NM_001413913.1); c.200-2A>G (NM_001413915.1).
Identifiers: ClinVar variation 3846471 (VCV003846471.1).
Genomic context (GRCh38, chr12:11,869,422, plus strand): 5'-AGGGAGTTTCCTGTCCTGCCAACTCACTGGGGTCTGTGATTGTCTTTCCCTCTGCTCCAC[A>G]GATAACTGTGTCCAGAGGACCCCCAGGCCATCCGTGGATAATGTGCACCATAACCCTCCC-3'